The following is an entry in ClinVar:

ClinVar aggregate classification (germline): Uncertain significance (1 of 4 stars; one submission).

Submission:

GeneDx
Classification: Uncertain significance. Last evaluated: 2024-03-06. Review status: criteria provided, single submitter. Criteria: GeneDx Variant Classification Process June 2021. Collection method: clinical testing. Allele origin: germline. Affected: yes.
Comment: Not observed at significant frequency in large population cohorts (gnomAD); In silico analysis supports that this missense variant has a deleterious effect on protein structure/function; Has not been previously published as pathogenic or benign to our knowledge

NM_005477.3(HCN4):c.752G>A (p.Gly251Glu)

Gene: HCN4 (hyperpolarization activated cyclic nucleotide gated potassium channel 4; minus strand). Cytogenetic location: 15q24.1.
Variant type: single nucleotide variant.
Coding change: c.752G>A on transcript NM_005477.3 (MANE Select); coding-DNA position 752, G replaced by A.
Protein change: p.Gly251Glu; replaces glycine 251 with glutamic acid.
Molecular consequence: missense variant.
Genome position (GRCh38, 1-based): chr15:73,367,519, C>T on the plus strand (G>A on the coding strand, the complement: HCN4 is on the minus strand). VCF-style: chr15-73367519-C-T. GRCh37 (hg19) VCF-style: chr15-73659860-C-T.
Other names: short protein forms G251E.
Identifiers: ClinVar variation 3370584 (VCV003370584.1).